The following is an entry in ClinVar:

ClinVar aggregate classification (germline): Uncertain significance (1 of 4 stars; one submission).

Conditions:
Neonatal-onset encephalopathy with rigidity and seizures. Also called: Lethal neonatal spasticity-epileptic encephalopathy syndrome. Identifiers: Orphanet 435845, MedGen C3281029, MONDO:0013784, OMIM 614498.

Allele frequency attached by ClinVar (database versions not stated): gnomAD exomes 0.00001; TOPMed 0.00001; ExAC 0.00002.
gnomAD v4.1: 5 of 1,611,048 alleles (0.00031%); highest among the groups gnomAD compares: Admixed American, 0.0083%; no homozygotes.

Submission:

Labcorp Genetics (formerly Invitae), Labcorp
Classification: Uncertain significance for Neonatal-onset encephalopathy with rigidity and seizures. Last evaluated: 2022-05-26. Review status: criteria provided, single submitter. Criteria: Invitae Variant Classification Sherloc (09022015). Collection method: clinical testing. Allele origin: germline.
Comment: This sequence change replaces leucine, which is neutral and non-polar, with proline, which is neutral and non-polar, at codon 541 of the BRAT1 protein (p.Leu541Pro). This variant is present in population databases (rs769442469, gnomAD 0.01%). This variant has not been reported in the literature in individuals affected with BRAT1-related conditions. Algorithms developed to predict the effect of missense changes on protein structure and function (SIFT, PolyPhen-2, Align-GVGD) all suggest that this variant is likely to be disruptive. Algorithms developed to predict the effect of sequence changes on RNA splicing suggest that this variant may disrupt the consensus splice site. In summary, the available evidence is currently insufficient to determine the role of this variant in disease. Therefore, it has been classified as a Variant of Uncertain Significance.

NM_152743.4(BRAT1):c.1622T>C (p.Leu541Pro)

Gene: BRAT1 (BRCA1 associated ATM activator 1; minus strand). Cytogenetic location: 7p22.3.
Variant type: single nucleotide variant.
Coding change: c.1622T>C on transcript NM_152743.4 (MANE Select); coding-DNA position 1622, T replaced by C.
Protein change: p.Leu541Pro; replaces leucine 541 with proline.
Molecular consequence: missense variant. On other transcripts: non-coding transcript variant (1).
Genome position (GRCh38, 1-based): chr7:2,539,327, A>G on the plus strand (T>C on the coding strand, the complement: BRAT1 is on the minus strand). VCF-style: chr7-2539327-A-G. GRCh37 (hg19) VCF-style: chr7-2578961-A-G.
Other names: c.1622T>C, p.Leu541Pro (NM_001350626.2); c.1097T>C, p.Leu366Pro (NM_001350627.2); short protein forms L366P, L541P.
Identifiers: ClinVar variation 1920282 (VCV001920282.2), dbSNP rs769442469, ClinGen allele CA4127647.
Genomic context (GRCh38, chr7:2,539,327, plus strand): 5'-ACATAACTCTCAGGGTCCTGGAGGAGCTGCAGGGCCAGCTGAGGCACCTCTGAAGCCAAG[A>G]GTGCGCATCTGAAGTCAGCCTGTCCTGGGGGTCGAAACGGCCACATGCAGCTGTGACTGA-3'
Protein context (NP_689956.2, residues 531-551): WGGQADFRCA[Leu541Pro]LASEVPQLAL